The following is an entry in ClinVar:

ClinVar aggregate classification (germline): Pathogenic. Review status: criteria provided, multiple submitters, no conflicts (2 of 4 stars). 4 submissions from 4 submitters: Pathogenic (4). Last evaluated 2023-08-24.

Conditions:
Inborn genetic diseases. Identifiers: MedGen C0950123, MeSH D030342.
GLUT1 deficiency syndrome 1, autosomal recessive. Identifiers: MedGen C3149117.
Encephalopathy due to GLUT1 deficiency. Also called: De Vivo disease; GLUT1 deficiency syndrome 1; GLUT1 deficiency syndrome 1, infantile onset, severe; Classic Glucose Transporter Type 1 Deficiency Syndrome; GLUCOSE TRANSPORT DEFECT, BLOOD-BRAIN BARRIER; Glucose transporter protein syndrome. Identifiers: Orphanet 71277, MedGen C4551966, MONDO:0011724, OMIM 606777.

Submissions (4):

Labcorp Genetics (formerly Invitae), Labcorp
Classification: Pathogenic for GLUT1 deficiency syndrome 1, autosomal recessive. Last evaluated: 2023-08-24. Review status: criteria provided, single submitter. Criteria: Invitae Variant Classification Sherloc (09022015). Collection method: clinical testing. Allele origin: germline.
Comment: ClinVar contains an entry for this variant (Variation ID: 521908). This premature translational stop signal has been observed in individual(s) with GLUT1 deficiency (PMID: 20129935). This variant is not present in population databases (gnomAD no frequency). This sequence change creates a premature translational stop signal (p.Gln161*) in the SLC2A1 gene. It is expected to result in an absent or disrupted protein product. Loss-of-function variants in SLC2A1 are known to be pathogenic (PMID: 21832227, 26193382). For these reasons, this variant has been classified as Pathogenic.

Genome-Nilou Lab
Classification: Pathogenic for Encephalopathy due to GLUT1 deficiency. Last evaluated: 2023-04-11. Review status: criteria provided, single submitter. Criteria: ACMG Guidelines, 2015. Collection method: clinical testing. Allele origin: germline. Affected: no.

CeGaT Center for Human Genetics Tuebingen
Classification: Pathogenic. Last evaluated: 2019-05-01. Review status: criteria provided, single submitter. Criteria: CeGaT Center For Human Genetics Tuebingen Variant Classification Criteria Version 2. Collection method: clinical testing. Allele origin: germline. Affected: yes. Observed: 3 variant alleles.

Ambry Genetics
Classification: Pathogenic for Inborn genetic diseases. Last evaluated: 2017-06-28. Review status: criteria provided, single submitter. Criteria: Ambry exome assertion method (8-5-2015). Collection method: clinical testing. Allele origin: germline. Affected: yes. Observed: 1 variant allele.

Literature cited by the submitters: PubMed 20129935 (cited by Labcorp Genetics (formerly Invitae), Labcorp and Ambry Genetics); PubMed 21832227 (cited by Labcorp Genetics (formerly Invitae), Labcorp); PubMed 26193382 (cited by Labcorp Genetics (formerly Invitae), Labcorp).

NM_006516.4(SLC2A1):c.481C>T (p.Gln161Ter)

Gene: SLC2A1 (solute carrier family 2 member 1; minus strand). Cytogenetic location: 1p34.2.
Variant type: single nucleotide variant.
Coding change: c.481C>T on transcript NM_006516.4 (MANE Select); coding-DNA position 481, C replaced by T.
Protein change: p.Gln161Ter; replaces glutamine 161 with a stop codon.
Molecular consequence: nonsense.
Genome position (GRCh38, 1-based): chr1:42,930,661, G>A on the plus strand (C>T on the coding strand, the complement: SLC2A1 is on the minus strand). VCF-style: chr1-42930661-G-A. GRCh37 (hg19) VCF-style: chr1-43396332-G-A.
Other names: short protein forms Q161*.
Identifiers: ClinVar variation 521908 (VCV000521908.53), dbSNP rs1413339367, ClinGen allele CA339960441.